The following is an entry in ClinVar:

NM_000245.4(MET):c.3318C>T (p.His1106=)

Gene: MET (MET proto-oncogene, receptor tyrosine kinase; plus strand). Cytogenetic location: 7q31.2.
Variant type: single nucleotide variant.
Coding change: c.3318C>T on transcript NM_000245.4 (MANE Select); coding-DNA position 3318, C replaced by T.
Protein change: p.His1106=; no amino-acid change (histidine 1106 retained).
Molecular consequence: synonymous variant.
Genome position (GRCh38, 1-based): chr7:116,777,447, C>T. VCF-style: chr7-116777447-C-T. GRCh37 (hg19) VCF-style: chr7-116417501-C-T.
Other names: c.3372C>T, p.His1124= (NM_001127500.3); c.2028C>T, p.His676= (NM_001324402.2).
Identifiers: ClinVar variation 763203 (VCV000763203.15), dbSNP rs755500683, ClinGen allele CA4448692.

ClinVar aggregate classification (germline): Benign/Likely benign. Review status: criteria provided, multiple submitters, no conflicts (2 of 4 stars). 3 submissions from 3 submitters: Benign (1); Likely benign (2). Last evaluated 2025-06-23.

Conditions:
Hereditary cancer-predisposing syndrome. Also called: Tumor predisposition; Neoplastic Syndromes, Hereditary; Hereditary Cancer Syndrome; Hereditary neoplastic syndrome. Identifiers: Orphanet 140162, MedGen C0027672, MeSH D009386, MONDO:0015356.
Renal cell carcinoma. Identifiers: Orphanet 217071, MedGen C0007134, MeSH D002292, MONDO:0005086, HP:0005584.
Papillary renal cell carcinoma type 1 (RCCP1). Also called: RENAL CELL CARCINOMA, PAPILLARY, 1, SOMATIC; Renal adenocarcinoma; Renal cell carcinoma 1; Renal cell carcinoma, somatic. Identifiers: Orphanet 47044, MedGen C1336839, OMIM 605074, HP:0011797.

Allele frequency attached by ClinVar (database versions not stated): TOPMed below 0.00001; gnomAD exomes 0.00001; ExAC 0.00002.
gnomAD v4.1: 3 of 1,613,846 alleles (0.00019%); highest among the groups gnomAD compares: Admixed American, 0.0033%; no homozygotes.

Submissions (3):

Labcorp Genetics (formerly Invitae), Labcorp
Classification: Likely benign for Renal cell carcinoma. Last evaluated: 2025-06-23. Review status: criteria provided, single submitter. Criteria: Invitae Variant Classification Sherloc (09022015). Collection method: clinical testing. Allele origin: germline.

Myriad Genetics, Inc.
Classification: Benign for Papillary renal cell carcinoma type 1. Last evaluated: 2024-11-13. Review status: criteria provided, single submitter. Criteria: Myriad Autosomal Dominant, Autosomal Recessive and X-Linked Classification Criteria (2023). Collection method: clinical testing. Allele origin: unknown.
Comment: This variant is considered benign. This variant is a silent/synonymous amino acid change and it is not expected to impact splicing.

Ambry Genetics
Classification: Likely benign for Hereditary cancer-predisposing syndrome. Last evaluated: 2015-02-25. Review status: criteria provided, single submitter. Criteria: Ambry Variant Classification Scheme 2023. Collection method: clinical testing. Allele origin: germline.